The following is an entry in ClinVar:

ClinVar aggregate classification (germline): Pathogenic (1 of 4 stars; one submission).

Submission:

Clinical Genomics Laboratory, Laboratory for Precision Diagnostics, University of Washington
Classification: Pathogenic. Last evaluated: 2021-08-20. Review status: criteria provided, single submitter. Criteria: ACMG/ClinGen CNV Guidelines, 2019. Collection method: clinical testing. Allele origin: unknown. Affected: yes. Observed: 1 variant allele.
Comment: A pathogenic terminal deletion of chromosome 6q27 was detected that fully encompasses DLL1. Heterozygous deletions of this region have been found in people with isolated ventriculomegaly and other structural brain abnormalities.

Literature cited by the submitters: PubMed 31353024; PubMed 31602192; PubMed 24736736; PubMed 16773126; PubMed 30194807.

GRCh38/hg38 6q27(chr6:167201522-170610382)x1

Genes: AFDN (afadin, adherens junction formation factor; plus strand), AFDN-DT (AFDN divergent transcript; minus strand), C6orf120 (chromosome 6 open reading frame 120; plus strand), DACT2 (dishevelled binding antagonist of beta catenin 2; minus strand), DLL1 (delta like canonical Notch ligand 1; minus strand) and 106 more. Cytogenetic location: 6q27.
Variant type: copy number loss.
Change: copy number 1 (one copy instead of two) of chr6:167,201,522-170,610,382 (3.41 Mb, GRCh38 coordinates, 1-based), cytogenetic band 6q27.
Identifiers: ClinVar variation 4755357 (VCV004755357.1).